The following is an entry in ClinVar:

ClinVar aggregate classification (germline): Conflicting classifications of pathogenicity. Review status: criteria provided, conflicting classifications (1 of 4 stars). 7 submissions from 7 submitters: Uncertain significance (5); Benign (1); Likely benign (1). Last evaluated 2025-08-03.

Conditions:
Hereditary cancer-predisposing syndrome. Also called: Tumor predisposition; Hereditary Cancer Syndrome; Hereditary neoplastic syndrome; Neoplastic Syndromes, Hereditary. Identifiers: Orphanet 140162, MedGen C0027672, MeSH D009386, MONDO:0015356.
Isolated focal cortical dysplasia type II (FCORD2). Also called: Focal cortical dysplasia type II; CORTICAL DYSPLASIA OF TAYLOR. Identifiers: Orphanet 268994, MedGen C1846385, MONDO:0011818, OMIM 607341, HP:0032051.
Tuberous sclerosis syndrome (TSC). Also called: Tuberous Sclerosis Complex; Tuberous sclerosis. Identifiers: Orphanet 805, MedGen C0041341, MONDO:0001734.
Tuberous sclerosis 1 (TSC1). Identifiers: Orphanet 805, MedGen C1854465, MONDO:0008612, OMIM 191100.

gnomAD v4.1: 2 of 1,614,060 alleles (0.00012%); highest among the groups gnomAD compares: Non-Finnish European, 0.00017%; no homozygotes.

Submissions (7):

Labcorp Genetics (formerly Invitae), Labcorp
Classification: Likely benign for Tuberous sclerosis 1. Last evaluated: 2025-08-03. Review status: criteria provided, single submitter. Criteria: Invitae Variant Classification Sherloc (09022015). Collection method: clinical testing. Allele origin: germline.

Ambry Genetics
Classification: Benign for Hereditary cancer-predisposing syndrome. Last evaluated: 2025-03-26. Review status: criteria provided, single submitter. Criteria: Ambry Variant Classification Scheme 2023. Collection method: clinical testing. Allele origin: germline.

Baylor Genetics
Classification: Uncertain significance for Isolated focal cortical dysplasia type II. Last evaluated: 2024-02-02. Review status: criteria provided, single submitter. Criteria: ACMG Guidelines, 2015. Collection method: clinical testing. Allele origin: unknown.

All of Us Research Program, National Institutes of Health
Classification: Uncertain significance for Tuberous sclerosis syndrome. Last evaluated: 2023-12-18. Review status: criteria provided, single submitter. Criteria: ACMG Guidelines, 2015. Collection method: clinical testing. Allele origin: germline. Inheritance: Autosomal dominant inheritance. Observed: 1 variant allele, 1 heterozygote.
Comment: This missense variant replaces proline with histidine at codon 419 of the TSC1 protein. Computational prediction suggests that this variant may not impact protein structure and function (internally defined REVEL score threshold <= 0.5, PMID: 27666373). To our knowledge, functional studies have not been reported for this variant. This variant has not been reported in individuals affected with TSC1-related disorders in the literature. This variant has been identified in 1/251116 chromosomes in the general population by the Genome Aggregation Database (gnomAD). The available evidence is insufficient to determine the role of this variant in disease conclusively. Therefore, this variant is classified as a Variant of Uncertain Significance.

This study involves interpretation of variants in research participants for the purpose of population health screening. Participant phenotype was not available at the time of variant classification. Additional details can be found in publication PMID: 35346344, PMCID: PMC8962531

Color Diagnostics, LLC DBA Color Health
Classification: Uncertain significance for Tuberous sclerosis syndrome. Last evaluated: 2023-12-06. Review status: criteria provided, single submitter. Criteria: ACMG Guidelines, 2015. Collection method: clinical testing. Allele origin: germline.
Comment: This missense variant replaces proline with histidine at codon 419 of the TSC1 protein. Computational prediction suggests that this variant may not impact protein structure and function. To our knowledge, functional studies have not been reported for this variant. This variant has not been reported in individuals affected with TSC1-related disorders in the literature. This variant has been identified in 1/251116 chromosomes in the general population by the Genome Aggregation Database (gnomAD). The available evidence is insufficient to determine the role of this variant in disease conclusively. Therefore, this variant is classified as a Variant of Uncertain Significance.

GeneDx
Classification: Uncertain significance. Last evaluated: 2022-01-17. Review status: criteria provided, single submitter. Criteria: GeneDx Variant Classification Process June 2021. Collection method: clinical testing. Allele origin: germline. Affected: yes.
Comment: In silico analysis supports that this missense variant does not alter protein structure/function; Has not been previously published as pathogenic or benign to our knowledge

Genome-Nilou Lab
Classification: Uncertain significance for Tuberous sclerosis 1. Last evaluated: 2021-11-07. Review status: criteria provided, single submitter. Criteria: ACMG Guidelines, 2015. Collection method: clinical testing. Allele origin: germline. Affected: no.

NM_000368.5(TSC1):c.1256C>A (p.Pro419His)

Gene: TSC1 (TSC complex subunit 1; minus strand). Cytogenetic location: 9q34.13.
Variant type: single nucleotide variant.
Coding change: c.1256C>A on transcript NM_000368.5 (MANE Select); coding-DNA position 1256, C replaced by A.
Protein change: p.Pro419His; replaces proline 419 with histidine.
Molecular consequence: missense variant.
Genome position (GRCh38, 1-based): chr9:132,910,578, G>T on the plus strand (C>A on the coding strand, the complement: TSC1 is on the minus strand). VCF-style: chr9-132910578-G-T. GRCh37 (hg19) VCF-style: chr9-135785965-G-T.
Other names: c.1253C>A, p.Pro418His (NM_001162426.2); c.1103C>A, p.Pro368His (NM_001162427.2); c.893C>A, p.Pro298His (NM_001362177.2); short protein forms P419H, P368H, P418H, P298H.
Identifiers: ClinVar variation 237697 (VCV000237697.24), dbSNP rs878853959, ClinGen allele CA10582630.